The following is an entry in ClinVar:

NM_001372.4(DNAH9):c.12925C>T (p.Arg4309Ter)

Gene: DNAH9 (dynein axonemal heavy chain 9; plus strand). Cytogenetic location: 17p12.
Variant type: single nucleotide variant.
Coding change: c.12925C>T on transcript NM_001372.4 (MANE Select); coding-DNA position 12925, C replaced by T.
Protein change: p.Arg4309Ter; replaces arginine 4309 with a stop codon.
Molecular consequence: nonsense.
Genome position (GRCh38, 1-based): chr17:11,961,948, C>T. VCF-style: chr17-11961948-C-T. GRCh37 (hg19) VCF-style: chr17-11865265-C-T.
Other names: c.1861C>T, p.Arg621Ter (NM_004662.2); short protein forms R621*, R4309*.
Identifiers: ClinVar variation 1029327 (VCV001029327.4), dbSNP rs199667439, ClinGen allele CA8398310.

ClinVar aggregate classification (germline): Likely pathogenic. Review status: criteria provided, multiple submitters, no conflicts (2 of 4 stars). 2 submissions from 2 submitters: Likely pathogenic (2). Last evaluated 2024-03-29.

Conditions:
Ciliary dyskinesia, primary, 40. Also called: CILIARY DYSKINESIA, PRIMARY, 40, WITH OR WITHOUT SITUS INVERSUS. Identifiers: MedGen C4749028, MONDO:0032664, OMIM 618300.

Allele frequency attached by ClinVar (database versions not stated): gnomAD below 0.00001 and 0.00001; gnomAD exomes 0.00001; ExAC 0.00002.
gnomAD v4.1: 16 of 1,614,054 alleles (0.00099%); highest among the groups gnomAD compares: Middle Eastern, 0.082%; no homozygotes.

Submissions (2):

Genomic Medicine Center of Excellence, King Faisal Specialist Hospital and Research Centre
Classification: Likely pathogenic for Ciliary dyskinesia, primary, 40. Last evaluated: 2024-03-29. Review status: criteria provided, single submitter. Criteria: ACMG Guidelines, 2015. Collection method: clinical testing. Allele origin: germline.

Baylor Genetics
Classification: Likely pathogenic for Ciliary dyskinesia, primary, 40. Last evaluated: 2020-01-15. Review status: criteria provided, single submitter. Criteria: ACMG Guidelines, 2015. Collection method: clinical testing. Allele origin: unknown. Affected: yes.
Comment: This variant was determined to be likely pathogenic according to ACMG Guidelines, 2015 [PMID:25741868].